The following is an entry in ClinVar:

ClinVar aggregate classification (germline): Benign/Likely benign. Review status: criteria provided, multiple submitters, no conflicts (2 of 4 stars). 7 submissions from 7 submitters: Benign (4); Likely benign (3). Last evaluated 2026-02-02.

Conditions:
LEOPARD syndrome 3 (LPRD3). Identifiers: Orphanet 500, MedGen C3150971, MONDO:0013380, OMIM 613707.
Noonan syndrome 7 (NS7). Also called: BRAF-Related Noonan Syndrome. Identifiers: Orphanet 648, MedGen C3150970, MONDO:0013379, OMIM 613706.
Cardiofaciocutaneous syndrome 1 (CFC1). Also called: BRAF-Related Cardiofaciocutaneous Syndrome. Identifiers: Orphanet 1340, MedGen CN029449, MONDO:0007265, OMIM 115150. Disease mechanism: gain of function.
Noonan syndrome 1 (NS1). Also called: TURNER PHENOTYPE WITH NORMAL KARYOTYPE; FEMALE PSEUDO-TURNER SYNDROME; PTPN11-Related Noonan Syndrome. Identifiers: Orphanet 648, MedGen C4551602, MONDO:0008104, OMIM 163950. Disease mechanism: gain of function.
Melanoma, cutaneous malignant, susceptibility to, 1 (CMM1). Also called: B-K MOLE SYNDROME; DYSPLASTIC NEVUS SYNDROME, HEREDITARY; FAMILIAL ATYPICAL MOLE-MALIGNANT MELANOMA SYNDROME; MELANOMA, MALIGNANT. Identifiers: Orphanet 618, MedGen C1835047, MONDO:0007963, OMIM 155600.
Colorectal cancer. Also called: Malignant Colorectal Neoplasm; Colorectal cancer, somatic. Identifiers: MedGen C0346629, MONDO:0005575, OMIM 114500.
Lung cancer. Also called: Lung cancer, somatic; Malignant tumor of lung. Identifiers: MedGen C0242379, MONDO:0008903, OMIM 211980.
RASopathy. Also called: Noonan spectrum disorder; rasopathies. Identifiers: Orphanet 536391, MedGen C5555857, MONDO:0021060.

Allele frequency attached by ClinVar (database versions not stated): gnomAD exomes 0.00030 and 0.00079; ExAC 0.00095; 1000 Genomes Project 0.00280; 1000 Genomes Project 30x 0.00328; gnomAD 0.00328 and 0.00360; ESP Exome Variant Server 0.00369; TOPMed 0.00370.
gnomAD v4.1: 956 of 1,598,070 alleles (0.06%); highest among the groups gnomAD compares: African/African-American, 1.2%; 5 homozygotes.

Submissions (7):

Labcorp Genetics (formerly Invitae), Labcorp
Classification: Benign for RASopathy. Last evaluated: 2026-02-02. Review status: criteria provided, single submitter. Criteria: Invitae Variant Classification Sherloc (09022015). Collection method: clinical testing. Allele origin: germline.

ARUP Laboratories, Molecular Genetics and Genomics, ARUP Laboratories
Classification: Likely benign. Last evaluated: 2024-12-12. Review status: criteria provided, single submitter. Criteria: ARUP Molecular Germline Variant Investigation Process 2024. Collection method: clinical testing. Allele origin: germline.

Blueprint Genetics
Classification: Likely benign. Last evaluated: 2024-11-27. Review status: criteria provided, single submitter. Criteria: ACMG Guidelines, 2015. Collection method: clinical testing. Allele origin: germline.

Fulgent Genetics
Classification: Likely benign for Colorectal cancer; Cardiofaciocutaneous syndrome 1; Melanoma, cutaneous malignant, susceptibility to, 1; Noonan syndrome 1; Lung cancer; Noonan syndrome 7; LEOPARD syndrome 3. Last evaluated: 2021-08-04. Review status: criteria provided, single submitter. Criteria: ACMG Guidelines, 2015. Collection method: clinical testing. Allele origin: unknown.

Women's Health and Genetics/Laboratory Corporation of America, LabCorp
Classification: Benign. Last evaluated: 2020-03-10. Review status: criteria provided, single submitter. Criteria: LabCorp Variant Classification Summary - May 2015. Collection method: clinical testing. Allele origin: germline.
Comment: Variant summary: BRAF c.1141-19C>T alters a non-conserved nucleotide located close to a canonical splice site and therefore could affect mRNA splicing, leading to a significantly altered protein sequence. 4/4 computational tools predict no significant impact on normal splicing. However, these predictions have yet to be confirmed by functional studies. The variant allele was found at a frequency of 0.00079 in 251162 control chromosomes. The observed variant frequency is approximately 317 fold of the estimated maximal expected allele frequency for a pathogenic variant in BRAF causing Noonan Syndrome and Related Conditions phenotype (2.5e-06), strongly suggesting that the variant is benign. To our knowledge, no occurrence of c.1141-19C>T in individuals affected with Noonan Syndrome and Related Conditions and no experimental evidence demonstrating its impact on protein function have been reported. No clinical diagnostic laboratories have submitted clinical-significance assessments for this variant to ClinVar after 2014. Based on the evidence outlined above, the variant was classified as benign.

GeneDx
Classification: Benign. Last evaluated: 2012-10-16. Review status: criteria provided, single submitter. Criteria: GeneDx Variant Classification (06012015). Collection method: clinical testing. Allele origin: germline. Affected: yes.
Comment: This variant is considered likely benign or benign based on one or more of the following criteria: it is a conservative change, it occurs at a poorly conserved position in the protein, it is predicted to be benign by multiple in silico algorithms, and/or has population frequency not consistent with disease.

PreventionGenetics, part of Exact Sciences
Classification: Benign. Review status: criteria provided, single submitter. Criteria: ACMG Guidelines, 2015. Collection method: clinical testing. Allele origin: germline.

Literature cited by the submitters: PubMed 24920063 (cited by Women's Health and Genetics/Laboratory Corporation of America, LabCorp).

NM_004333.6(BRAF):c.1141-19C>T

Gene: BRAF (B-Raf proto-oncogene, serine/threonine kinase; minus strand). Cytogenetic location: 7q34.
Variant type: single nucleotide variant.
Coding change: c.1141-19C>T on transcript NM_004333.6 (MANE Select); 19 bases into the intron before coding-DNA position 1141, C replaced by T.
Molecular consequence: intron variant.
Genome position (GRCh38, 1-based): chr7:140,787,603, G>A on the plus strand (C>T on the coding strand, the complement: BRAF is on the minus strand). VCF-style: chr7-140787603-G-A. GRCh37 (hg19) VCF-style: chr7-140487403-G-A.
Other names: c.1141-19C>T (NM_001378474.1, NM_001378468.1, NM_001354609.2 and 3 more transcripts); c.1039-19C>T (NM_001378470.1); c.877-19C>T (NM_001378475.1); c.1141-4520C>T (NM_001378471.1); c.1150-19C>T (NM_001378467.1); c.985-19C>T (NM_001378472.1, NM_001378473.1).
Identifiers: ClinVar variation 136531 (VCV000136531.14), dbSNP rs71645959, ClinGen allele CA289727.